The following is an entry in ClinVar:

ClinVar aggregate classification (germline): Likely benign. Review status: criteria provided, multiple submitters, no conflicts (2 of 4 stars). 3 submissions from 3 submitters: Likely benign (2). 1 of the submissions does not count toward it. Last evaluated 2023-02-05.

Conditions:
EPHB4-related disorder. Also called: EPHB4-related disorders; EPHB4-related condition.
Cardiovascular phenotype. Identifiers: MedGen CN230736.

Allele frequency attached by ClinVar (database versions not stated): gnomAD exomes 0.00003; ExAC 0.00007; gnomAD 0.00007; ESP Exome Variant Server 0.00008; TOPMed 0.00008; 1000 Genomes Project 30x 0.00031; 1000 Genomes Project 0.00040.
gnomAD v4.1: 48 of 1,547,348 alleles (0.0031%); highest among the groups gnomAD compares: East Asian, 0.029%; no homozygotes.

Submissions (3):

Ambry Genetics
Classification: Likely benign for Cardiovascular phenotype. Last evaluated: 2023-02-05. Review status: criteria provided, single submitter. Criteria: Ambry Variant Classification Scheme 2023. Collection method: clinical testing. Allele origin: germline.

Labcorp Genetics (formerly Invitae), Labcorp
Classification: Likely benign. Last evaluated: 2022-04-08. Review status: criteria provided, single submitter. Criteria: Invitae Variant Classification Sherloc (09022015). Collection method: clinical testing. Allele origin: germline.

PreventionGenetics, part of Exact Sciences
Classification: Likely benign for EPHB4-related condition. Last evaluated: 2021-04-15. Review status: no assertion criteria provided. Collection method: clinical testing. Allele origin: germline. Not counted in ClinVar's aggregate classification.
Comment: This variant is classified as likely benign based on ACMG/AMP sequence variant interpretation guidelines (Richards et al. 2015 PMID: 25741868, with internal and published modifications).

NM_004444.5(EPHB4):c.987C>T (p.Ser329=)

Gene: EPHB4 (EPH receptor B4; minus strand). Cytogenetic location: 7q22.1.
Variant type: single nucleotide variant.
Coding change: c.987C>T on transcript NM_004444.5 (MANE Select); coding-DNA position 987, C replaced by T.
Protein change: p.Ser329=; no amino-acid change (serine 329 retained).
Molecular consequence: synonymous variant.
Genome position (GRCh38, 1-based): chr7:100,819,867, G>A on the plus strand (C>T on the coding strand, the complement: EPHB4 is on the minus strand). VCF-style: chr7-100819867-G-A. GRCh37 (hg19) VCF-style: chr7-100417489-G-A.
Identifiers: ClinVar variation 1896427 (VCV001896427.9), dbSNP rs200232840, ClinGen allele CA4393129.